The following is an entry in ClinVar:

NM_001855.5(COL15A1):c.1266G>A (p.Met422Ile)

Gene: COL15A1 (collagen type XV alpha 1 chain; plus strand). Cytogenetic location: 9q22.33.
Variant type: single nucleotide variant.
Coding change: c.1266G>A on transcript NM_001855.5 (MANE Select); coding-DNA position 1266, G replaced by A.
Protein change: p.Met422Ile; replaces methionine 422 with isoleucine.
Molecular consequence: missense variant.
Genome position (GRCh38, 1-based): chr9:99,004,963, G>A. VCF-style: chr9-99004963-G-A. GRCh37 (hg19) VCF-style: chr9-101767245-G-A.
Other names: short protein forms M422I.
Identifiers: ClinVar variation 3059690 (VCV003059690.2), dbSNP rs34138827, ClinGen allele CA5154837.

ClinVar aggregate classification (germline): Benign (0 of 4 stars; one submission).

Conditions:
COL15A1-related disorder. Also called: COL15A1-related condition.

Allele frequency attached by ClinVar (database versions not stated): ESP Exome Variant Server 0.00185; gnomAD exomes 0.01160; gnomAD 0.01386; TOPMed 0.01614; ExAC 0.03237; 1000 Genomes Project 30x 0.06387; 1000 Genomes Project 0.06490.
gnomAD v4.1: 19,820 of 1,614,086 alleles (1.2%); highest among the groups gnomAD compares: East Asian, 11%; 1,130 homozygotes.

Submission:

PreventionGenetics, part of Exact Sciences
Classification: Benign for COL15A1-related condition. Last evaluated: 2019-07-03. Review status: no assertion criteria provided. Collection method: clinical testing. Allele origin: germline.
Comment: This variant is classified as benign based on ACMG/AMP sequence variant interpretation guidelines (Richards et al. 2015 PMID: 25741868, with internal and published modifications).